The following is an entry in ClinVar:

NM_001379500.1(COL18A1):c.3249G>A (p.Thr1083=)

Genes: COL18A1 (collagen type XVIII alpha 1 chain; plus strand), SLC19A1 (solute carrier family 19 member 1; minus strand). Cytogenetic location: 21q22.3.
Variant type: single nucleotide variant.
Coding change: c.3249G>A on transcript NM_001379500.1 (MANE Select); coding-DNA position 3249, G replaced by A.
Protein change: p.Thr1083=; no amino-acid change (threonine 1083 retained).
Molecular consequence: synonymous variant.
Genome position (GRCh38, 1-based): chr21:45,507,593, G>A. VCF-style: chr21-45507593-G-A. GRCh37 (hg19) VCF-style: chr21-46927507-G-A.
Other names: c.3780G>A, p.Thr1260= (NM_030582.4); c.4485G>A, p.Thr1495= (NM_130444.3).
Identifiers: ClinVar variation 1064397 (VCV001064397.11), dbSNP rs760137567, ClinGen allele CA10067804.

ClinVar aggregate classification (germline): Uncertain significance. Review status: criteria provided, multiple submitters, no conflicts (2 of 4 stars). 3 submissions from 3 submitters: Uncertain significance (3). Last evaluated 2025-11-11.

Conditions:
Knobloch syndrome 1 (KNO1). Identifiers: MedGen C4551775, MONDO:0800167, OMIM 267750.

Allele frequency attached by ClinVar (database versions not stated): gnomAD 0.00001 and 0.00003; ExAC 0.00004; gnomAD exomes 0.00004; TOPMed 0.00006.
gnomAD v4.1: 63 of 1,612,868 alleles (0.0039%); highest among the groups gnomAD compares: South Asian, 0.022%; no homozygotes.

Submissions (3):

Labcorp Genetics (formerly Invitae), Labcorp
Classification: Uncertain significance. Last evaluated: 2025-11-11. Review status: criteria provided, single submitter. Criteria: Invitae Variant Classification Sherloc (09022015). Collection method: clinical testing. Allele origin: germline.
Comment: This sequence change affects codon 1080 of the COL18A1 mRNA. It is a 'silent' change, meaning that it does not change the encoded amino acid sequence of the COL18A1 protein. This variant also falls at the last nucleotide of exon 38, which is part of the consensus splice site for this exon. This variant is present in population databases (rs760137567, gnomAD 0.02%). This variant has not been reported in the literature in individuals affected with COL18A1-related conditions. ClinVar contains an entry for this variant (Variation ID: 1064397). Experimental studies and prediction algorithms are not available or were not evaluated, and the functional significance of this variant is currently unknown. Variants that disrupt the consensus splice site are a relatively common cause of aberrant splicing (PMID: 17576681, 9536098). Algorithms developed to predict the effect of sequence changes on RNA splicing suggest that this variant may disrupt the consensus splice site. In summary, the available evidence is currently insufficient to determine the role of this variant in disease. Therefore, it has been classified as a Variant of Uncertain Significance.

Blueprint Genetics
Classification: Uncertain significance. Last evaluated: 2024-04-29. Review status: criteria provided, single submitter. Criteria: ACMG Guidelines, 2015. Collection method: clinical testing. Allele origin: germline.

Department of Pathology and Laboratory Medicine, Sinai Health System
Classification: Uncertain significance for Knobloch syndrome 1. Last evaluated: 2023-04-24. Review status: criteria provided, single submitter. Criteria: ACMG Guidelines, 2015. Collection method: research. Allele origin: germline.

Literature cited by the submitters: PubMed 17576681 (cited by Labcorp Genetics (formerly Invitae), Labcorp); PubMed 9536098 (cited by Labcorp Genetics (formerly Invitae), Labcorp).